The following is an entry in ClinVar:

ClinVar aggregate classification (germline): Uncertain significance (1 of 4 stars; one submission).

Conditions:
VPS13B-related disorder. Also called: VPS13B-related condition.

Submission:

PreventionGenetics, part of Exact Sciences
Classification: Uncertain significance for VPS13B-related condition. Last evaluated: 2026-05-29. Review status: criteria provided, single submitter. Criteria: ACMG Guidelines, 2015. Collection method: clinical testing. Allele origin: germline.
Comment: The VPS13B c.3391A>C variant is predicted to result in the amino acid substitution p.Met1131Leu. To our knowledge, this variant has not been reported in the literature or in a large population database (gnomAD), indicating this variant is rare. At this time, the clinical significance of this variant is uncertain due to the absence of conclusive functional and genetic evidence.

NM_152564.5(VPS13B):c.3391A>C (p.Met1131Leu)

Gene: VPS13B (vacuolar protein sorting 13 homolog B; plus strand). Cytogenetic location: 8q22.2.
Variant type: single nucleotide variant.
Coding change: c.3391A>C on transcript NM_152564.5 (MANE Select); coding-DNA position 3391, A replaced by C.
Protein change: p.Met1131Leu; replaces methionine 1131 with leucine.
Molecular consequence: missense variant.
Genome position (GRCh38, 1-based): chr8:99,442,581, A>C. VCF-style: chr8-99442581-A-C. GRCh37 (hg19) VCF-style: chr8-100454809-A-C.
Other names: c.3391A>C, p.Met1131Leu (NM_017890.5); short protein forms M1131L.
Identifiers: ClinVar variation 4995455 (VCV004995455.1).